The following is an entry in ClinVar:

NM_018026.4(PACS1):c.752A>G (p.Tyr251Cys)

Gene: PACS1 (phosphofurin acidic cluster sorting protein 1; plus strand). Cytogenetic location: 11q13.2.
Variant type: single nucleotide variant.
Coding change: c.752A>G on transcript NM_018026.4 (MANE Select); coding-DNA position 752, A replaced by G.
Protein change: p.Tyr251Cys; replaces tyrosine 251 with cysteine.
Molecular consequence: missense variant.
Genome position (GRCh38, 1-based): chr11:66,216,210, A>G. VCF-style: chr11-66216210-A-G. GRCh37 (hg19) VCF-style: chr11-65983681-A-G.
Other names: short protein forms Y251C.
Identifiers: ClinVar variation 2730640 (VCV002730640.3), dbSNP rs146900599, ClinGen allele CA6116330.

ClinVar aggregate classification (germline): Uncertain significance (1 of 4 stars; one submission).

Conditions:
Schuurs-Hoeijmakers syndrome. Also called: PACS1-Related Neurodevelopmental Disorder. Identifiers: Orphanet 329224, MedGen C3554343, MONDO:0014006, OMIM 615009.

gnomAD v4.1: 45 of 1,613,504 alleles (0.0028%); highest among the groups gnomAD compares: Non-Finnish European, 0.0036%; no homozygotes.

Submission:

Labcorp Genetics (formerly Invitae), Labcorp
Classification: Uncertain significance for Schuurs-Hoeijmakers syndrome. Last evaluated: 2025-05-30. Review status: criteria provided, single submitter. Criteria: Invitae Variant Classification Sherloc (09022015). Collection method: clinical testing. Allele origin: germline.
Comment: This sequence change replaces tyrosine, which is neutral and polar, with cysteine, which is neutral and slightly polar, at codon 251 of the PACS1 protein (p.Tyr251Cys). This variant is present in population databases (rs146900599, gnomAD 0.006%). This variant has not been reported in the literature in individuals affected with PACS1-related conditions. ClinVar contains an entry for this variant (Variation ID: 2730640). Invitae Evidence Modeling of protein sequence and biophysical properties (such as structural, functional, and spatial information, amino acid conservation, physicochemical variation, residue mobility, and thermodynamic stability) indicates that this missense variant is not expected to disrupt PACS1 protein function with a negative predictive value of 80%. In summary, the available evidence is currently insufficient to determine the role of this variant in disease. Therefore, it has been classified as a Variant of Uncertain Significance.